The following is an entry in ClinVar:

ClinVar aggregate classification (germline): Conflicting classifications of pathogenicity. Review status: criteria provided, conflicting classifications (1 of 4 stars). 9 submissions from 9 submitters: Pathogenic (1); Likely pathogenic (6); Uncertain significance (2). Last evaluated 2026-10-05.

Conditions:
Retinal disorder. Also called: Retinopathy; Retinopathies; Retinal Diseases; Retinal disorders. Identifiers: MedGen C0035309, MONDO:0005283, HP:0000488.
Usher syndrome type 1 (USH1). Also called: RETINITIS PIGMENTOSA AND CONGENITAL DEAFNESS. Identifiers: Orphanet 231169, Orphanet 886, MedGen C1568247, MONDO:0010168, OMIM 276900.
Usher syndrome type 1B (USH1B). Also called: Usher syndrome type IB. Identifiers: MedGen C1848638, MONDO:0700087.
Autosomal recessive nonsyndromic hearing loss 2. Also called: DEAFNESS, AUTOSOMAL RECESSIVE 2; NEUROSENSORY NONSYNDROMIC RECESSIVE DEAFNESS 2. Identifiers: Orphanet 90636, MedGen C1838701, MONDO:0010807, OMIM 600060.
MYO7A-related disorder. Also called: MYO7A-related disorders.

Allele frequency attached by ClinVar (database versions not stated): gnomAD 0.00001; 1000 Genomes Project 30x 0.00031; gnomAD exomes 0.00001; TOPMed 0.00001; ExAC 0.00004; 1000 Genomes Project 0.00020.
gnomAD v4.1: 49 of 1,599,560 alleles (0.0031%); highest among the groups gnomAD compares: East Asian, 0.029%; no homozygotes.

Submissions (9):

GeneDx
Classification: Likely pathogenic. Last evaluated: 2026-10-05. Review status: criteria provided, single submitter. Criteria: GeneDx Variant Classification Process June 2021. Collection method: clinical testing. Allele origin: germline.
Comment: Identified homozygous or with another MYO7A variant in multiple individuals with hearing loss, but it is not known whether the variants occurred on the same (in cis) or on different (in trans) chromosomes in some cases (PMID: 25587757, 38594301); In silico analysis supports that this missense variant has a deleterious effect on protein structure/function; This variant is associated with the following publications: (PMID: 25587757, 38594301, 41359850, 34599366)

Dasa
Classification: Likely pathogenic. Last evaluated: 2026-03-24. Review status: criteria provided, single submitter. Criteria: DASA Assertion Criteria. Collection method: clinical testing. Allele origin: germline.
Comment: NM_000260.4(MYO7A):c.3475G>A (p.Gly1159Ser) is a missense variant that results in the substitution of glycine with serine. The affected residue or protein region has prior evidence supporting clinical relevance. This variant has been reported in individuals with MYO7A-related disorders (PMID: 38594301). Also, this variant is rare in population databases. Computational evidence supports a deleterious effect. Based on the currently available evidence, this variant is classified as likely pathogenic.

Genetics Laboratory, Great Ormond Street Hospital NHS Foundation Trust, North Thames Genomic Laboratory Hub
Classification: Likely pathogenic for Retinal disorders. Last evaluated: 2025-10-21. Review status: criteria provided, single submitter. Criteria: ACGS Best Practice Guidelines for Variant Classification in Rare Disease 2024 v1.2. Collection method: clinical testing. Allele origin: germline. Affected: yes.
Comment: PM2_moderate, PP3_supporting, PM5_moderate, PM3_strong

PreventionGenetics, part of Exact Sciences
Classification: Likely pathogenic for MYO7A-related condition. Last evaluated: 2025-07-17. Review status: criteria provided, single submitter. Criteria: ACMG Guidelines, 2015. Collection method: clinical testing. Allele origin: germline.
Comment: The MYO7A c.3475G>A variant is predicted to result in the amino acid substitution p.Gly1159Ser. This variant was reported, in the homozygous state or in the heterozygous state with a second potential causative variant, in multiple individuals with hearing loss (Watanabe et al. 2024. PubMed ID: 38594301; Nishio et al. 2015. PubMed ID: 25587757). An alternate amino acid substitution at this position (p.Gly1159Val) was also reported in individuals with Usher syndrome (see, for example, Roux et al. 2011. PubMed ID: 21436283; supplementary data, Lin et al. 2024. PubMed ID: 38219857). This variant is reported in 0.0061% of alleles in individuals of Latino descent in gnomAD. Taken together, we classify this variant as likely pathogenic.

Myriad Genetics, Inc.
Classification: Likely pathogenic for Usher syndrome type 1. Last evaluated: 2025-07-10. Review status: criteria provided, single submitter. Criteria: Myriad Autosomal Dominant, Autosomal Recessive and X-Linked Classification Criteria (2023). Collection method: clinical testing. Allele origin: unknown.
Comment: NM_000260.3(MYO7A):c.3475G>A(G1159S) is a missense variant classified as likely pathogenic in the context of MYO7A-related disorders. G1159S has been observed in a case with relevant disease (PMID: 38594301). Relevant functional assessments of this variant are not available in the literature. G1159S has been observed in referenced population frequency databases. In summary, NM_000260.3(MYO7A):c.3475G>A(G1159S) is a missense variant that has been observed more frequently in cases with the relevant disease than in healthy populations. Please note: this variant was assessed in the context of healthy population screening.

Natera, Inc.
Classification: Likely pathogenic for Usher syndrome type 1B. Last evaluated: 2025-07-03. Review status: criteria provided, single submitter. Criteria: Natera Variant Classification Schema (03/2026). Collection method: clinical testing. Allele origin: germline.
Comment: The c.3475G>A variant in MYO7A is a missense variant predicted to cause substitution of glycine to serine at amino acid 1159. This variant is rare in the general population with a frequency below the threshold expected for the associated phenotype(s). This variant has been observed in one or more individuals affected with the associated recessive disease, as either homozygous or compound heterozygous with a second variant (PMID: 38594301). Additionally, this variant has been observed to segregate in affected family members (PMID: 38594301). A different variant at the same position has been determined to be Pathogenic or Likely Pathogenic. Computational prediction algorithms indicate this variant is likely to affect gene or protein function. Given the available evidence, this variant is classified as Likely Pathogenic.

Laboratory of Prof. Karen Avraham, Tel Aviv University
Classification: Pathogenic for Autosomal recessive nonsyndromic hearing loss 2. Last evaluated: 2025-01-08. Review status: criteria provided, single submitter. Criteria: ACMG Guidelines, 2015. Collection method: research. Allele origin: germline. Inheritance: Autosomal recessive inheritance. Affected: yes.
Comment: The c.3475G>A:p.(Gly1159Ser) heterozygous variant is extremely rare and predicted deleterious. It was classified pathogenic by deafness variation database based on PMID: 21436283, 25587757.

Labcorp Genetics (formerly Invitae), Labcorp
Classification: Uncertain significance. Last evaluated: 2024-11-18. Review status: criteria provided, single submitter. Criteria: Invitae Variant Classification Sherloc (09022015). Collection method: clinical testing. Allele origin: germline.
Comment: This sequence change replaces glycine, which is neutral and non-polar, with serine, which is neutral and polar, at codon 1159 of the MYO7A protein (p.Gly1159Ser). The frequency data for this variant in the population databases is considered unreliable, as metrics indicate poor data quality at this position in the gnomAD database. This variant has not been reported in the literature in individuals affected with MYO7A-related conditions. ClinVar contains an entry for this variant (Variation ID: 1306607). Invitae Evidence Modeling of protein sequence and biophysical properties (such as structural, functional, and spatial information, amino acid conservation, physicochemical variation, residue mobility, and thermodynamic stability) indicates that this missense variant is expected to disrupt MYO7A protein function with a positive predictive value of 95%. This variant disrupts the p.Gly1159 amino acid residue in MYO7A. Other variant(s) that disrupt this residue have been determined to be pathogenic (PMID: 21436283, 23208854, 26969326, 27068579). This suggests that this residue is clinically significant, and that variants that disrupt this residue are likely to be disease-causing. In summary, the available evidence is currently insufficient to determine the role of this variant in disease. Therefore, it has been classified as a Variant of Uncertain Significance.

Blueprint Genetics
Classification: Uncertain significance. Last evaluated: 2022-12-27. Review status: criteria provided, single submitter. Criteria: ACMG Guidelines, 2015. Collection method: clinical testing. Allele origin: germline.

Literature cited by the submitters: PubMed 38594301 (cited by 3 submitters); PubMed 21436283 (cited by Laboratory of Prof. Karen Avraham, Tel Aviv University and Labcorp Genetics (formerly Invitae), Labcorp); PubMed 25587757 (cited by Laboratory of Prof. Karen Avraham, Tel Aviv University); PubMed 23208854 (cited by Labcorp Genetics (formerly Invitae), Labcorp); PubMed 26969326 (cited by Labcorp Genetics (formerly Invitae), Labcorp); PubMed 27068579 (cited by Labcorp Genetics (formerly Invitae), Labcorp).

NM_000260.4(MYO7A):c.3475G>A (p.Gly1159Ser)

Gene: MYO7A (myosin VIIA; plus strand). Cytogenetic location: 11q13.5.
Variant type: single nucleotide variant.
Coding change: c.3475G>A on transcript NM_000260.4 (MANE Select); coding-DNA position 3475, G replaced by A.
Protein change: p.Gly1159Ser; replaces glycine 1159 with serine.
Molecular consequence: missense variant.
Genome position (GRCh38, 1-based): chr11:77,184,687, G>A. VCF-style: chr11-77184687-G-A. GRCh37 (hg19) VCF-style: chr11-76895732-G-A.
Other names: c.3475G>A, p.Gly1159Ser (NM_001127180.2); c.3442G>A, p.Gly1148Ser (NM_001369365.1); short protein forms G1148S, G1159S.
Identifiers: ClinVar variation 1306607 (VCV001306607.16), dbSNP rs568495838, ClinGen allele CA6198069.
Genomic context (GRCh38, chr11:77,184,687, plus strand): 5'-GGCAACAGCATGCTGGAGGACCGGCCCACCTCCAACCTGGAGAAGCTGCACTTCATCATC[G>A]GCAATGGCATCCTGCGGCCAGCACTCCGGTCAGTGCCGGGAGGCGGGGACACCAGGGCCT-3'
Protein context (NP_000251.3, residues 1149-1169): SNLEKLHFII[Gly1159Ser]NGILRPALRD